The following is an entry in ClinVar:

ClinVar aggregate classification (germline): Uncertain significance (1 of 4 stars; one submission).

Submission:

CeGaT Center for Human Genetics Tuebingen
Classification: Uncertain significance. Last evaluated: 2025-02-01. Review status: criteria provided, single submitter. Criteria: CeGaT Center For Human Genetics Tuebingen Variant Classification Criteria Version 2. Collection method: clinical testing. Allele origin: germline. Affected: yes. Observed: 1 variant allele.
Comment: TRRAP: PM2

NM_001375524.1(TRRAP):c.7852C>T (p.Leu2618Phe)

Gene: TRRAP (transformation/transcription domain associated protein; plus strand). Cytogenetic location: 7q22.1.
Variant type: single nucleotide variant.
Coding change: c.7852C>T on transcript NM_001375524.1 (MANE Select); coding-DNA position 7852, C replaced by T.
Protein change: p.Leu2618Phe; replaces leucine 2618 with phenylalanine.
Molecular consequence: missense variant.
Genome position (GRCh38, 1-based): chr7:98,976,161, C>T. VCF-style: chr7-98976161-C-T. GRCh37 (hg19) VCF-style: chr7-98573784-C-T.
Other names: c.7831C>T, p.Leu2611Phe (NM_001244580.2); c.7777C>T, p.Leu2593Phe (NM_003496.4); short protein forms L2593F, L2611F, L2618F.
Identifiers: ClinVar variation 3778436 (VCV003778436.7).